The following is an entry in ClinVar:

NM_001035.3(RYR2):c.4430A>T (p.His1477Leu)

Gene: RYR2 (ryanodine receptor 2; plus strand). Cytogenetic location: 1q43.
Variant type: single nucleotide variant.
Coding change: c.4430A>T on transcript NM_001035.3 (MANE Select); coding-DNA position 4430, A replaced by T.
Protein change: p.His1477Leu; replaces histidine 1477 with leucine.
Molecular consequence: missense variant.
Genome position (GRCh38, 1-based): chr1:237,593,630, A>T. VCF-style: chr1-237593630-A-T. GRCh37 (hg19) VCF-style: chr1-237756930-A-T.
Other names: c.4430A>T (NM_001035.2); short protein forms H1477L.
Identifiers: ClinVar variation 3703042 (VCV003703042.3).

ClinVar aggregate classification (germline): Uncertain significance. Review status: criteria provided, multiple submitters, no conflicts (2 of 4 stars). 2 submissions from 2 submitters: Uncertain significance (2). Last evaluated 2024-11-25.

Conditions:
Catecholaminergic polymorphic ventricular tachycardia 1. Also called: VENTRICULAR TACHYCARDIA, STRESS-INDUCED POLYMORPHIC 1; VENTRICULAR TACHYCARDIA, CATECHOLAMINERGIC POLYMORPHIC, 1, WITH OR WITHOUT ATRIAL DYSFUNCTION AND/OR DILATED CARDIOMYOPATHY; RYR2-Related Catecholaminergic Polymorphic Ventricular Tachycardia. Identifiers: Orphanet 3286, MedGen C1631597, MONDO:0011484, OMIM 604772.

gnomAD v4.1: 1 of 1,613,802 alleles (0.000062%); highest among the groups gnomAD compares: Admixed American, 0.0017%; no homozygotes.

Submissions (2):

GeneDx
Classification: Uncertain significance. Last evaluated: 2024-11-25. Review status: criteria provided, single submitter. Criteria: GeneDx Variant Classification Process June 2021. Collection method: clinical testing. Allele origin: germline. Affected: yes.
Comment: Not observed at significant frequency in large population cohorts (gnomAD); In silico analysis supports that this missense variant has a deleterious effect on protein structure/function; Has not been previously published as pathogenic or benign to our knowledge; Not located in one of the three hot-spot regions of the RYR2 gene, where the majority of pathogenic missense variants occur (PMID: 19926015); This variant is associated with the following publications: (PMID: 19926015)

Labcorp Genetics (formerly Invitae), Labcorp
Classification: Uncertain significance for Catecholaminergic polymorphic ventricular tachycardia 1. Last evaluated: 2024-05-14. Review status: criteria provided, single submitter. Criteria: Invitae Variant Classification Sherloc (09022015). Collection method: clinical testing. Allele origin: germline.
Comment: This sequence change replaces histidine, which is basic and polar, with leucine, which is neutral and non-polar, at codon 1477 of the RYR2 protein (p.His1477Leu). This variant is present in population databases (no rsID available, gnomAD 0.003%). This variant has not been reported in the literature in individuals affected with RYR2-related conditions. Advanced modeling of protein sequence and biophysical properties (such as structural, functional, and spatial information, amino acid conservation, physicochemical variation, residue mobility, and thermodynamic stability) performed at Invitae indicates that this missense variant is not expected to disrupt RYR2 protein function with a negative predictive value of 95%. In summary, the available evidence is currently insufficient to determine the role of this variant in disease. Therefore, it has been classified as a Variant of Uncertain Significance.